The following is an entry in ClinVar:

NM_003380.5(VIM):c.468G>C (p.Glu156Asp)

Genes: VIM (vimentin; plus strand), VIM-AS1 (VIM antisense RNA 1; minus strand). Cytogenetic location: 10p13.
Variant type: single nucleotide variant.
Coding change: c.468G>C on transcript NM_003380.5 (MANE Select); coding-DNA position 468, G replaced by C.
Protein change: p.Glu156Asp; replaces glutamic acid 156 with aspartic acid.
Molecular consequence: missense variant. On other transcripts: non-coding transcript variant (1).
Genome position (GRCh38, 1-based): chr10:17,229,890, G>C. VCF-style: chr10-17229890-G-C. GRCh37 (hg19) VCF-style: chr10-17271889-G-C.
Other names: short protein forms E156D.
Identifiers: ClinVar variation 949490 (VCV000949490.10), dbSNP rs1846752790, ClinGen allele CA376176349.

ClinVar aggregate classification (germline): Uncertain significance (1 of 4 stars; one submission).

Conditions:
Cataract 30 (CTRCT30). Also called: CATARACT 30, PULVERULENT. Identifiers: Orphanet 91492, Orphanet 98984, Orphanet 98992, MedGen C3805411, MONDO:0007286, OMIM 116300.

gnomAD v4.1: 2 of 1,611,876 alleles (0.00012%); highest among the groups gnomAD compares: Non-Finnish European, 0.00017%; no homozygotes.

Submission:

Labcorp Genetics (formerly Invitae), Labcorp
Classification: Uncertain significance for Cataract 30. Last evaluated: 2019-05-08. Review status: criteria provided, single submitter. Criteria: Invitae Variant Classification Sherloc (09022015). Collection method: clinical testing. Allele origin: germline.
Comment: This sequence change replaces glutamic acid with aspartic acid at codon 156 of the VIM protein (p.Glu156Asp). The glutamic acid residue is highly conserved and there is a small physicochemical difference between glutamic acid and aspartic acid. This variant is not present in population databases (ExAC no frequency). This variant has not been reported in the literature in individuals with VIM-related conditions. Algorithms developed to predict the effect of missense changes on protein structure and function are either unavailable or do not agree on the potential impact of this missense change (SIFT: "Deleterious"; PolyPhen-2: "Benign"; Align-GVGD: "Class C35"). In summary, the available evidence is currently insufficient to determine the role of this variant in disease. Therefore, it has been classified as a Variant of Uncertain Significance.